The following is an entry in ClinVar:

ClinVar aggregate classification (germline): Conflicting classifications of pathogenicity. Review status: criteria provided, conflicting classifications (1 of 4 stars). 2 submissions from 2 submitters: Uncertain significance (1); Likely benign (1). Last evaluated 2025-07-31.

Conditions:
Hereditary cancer-predisposing syndrome. Also called: Neoplastic Syndromes, Hereditary; Hereditary Cancer Syndrome; Tumor predisposition; Hereditary neoplastic syndrome. Identifiers: Orphanet 140162, MedGen C0027672, MeSH D009386, MONDO:0015356.
Neuroblastoma, susceptibility to, 3. Also called: ALK-Related Neuroblastic Tumor Susceptibility. Identifiers: Orphanet 635, MedGen C2751681, MONDO:0013083, OMIM 613014.

gnomAD v4.1: 1 of 1,613,726 alleles (0.000062%); highest among the groups gnomAD compares: African/African-American, 0.0013%; no homozygotes.

Submissions (2):

Ambry Genetics
Classification: Likely benign for Hereditary cancer-predisposing syndrome. Last evaluated: 2025-07-31. Review status: criteria provided, single submitter. Criteria: Ambry Variant Classification Scheme 2023. Collection method: clinical testing. Allele origin: germline.

Labcorp Genetics (formerly Invitae), Labcorp
Classification: Uncertain significance for Neuroblastoma, susceptibility to, 3. Last evaluated: 2021-06-28. Review status: criteria provided, single submitter. Criteria: Invitae Variant Classification Sherloc (09022015). Collection method: clinical testing. Allele origin: germline.
Comment: This sequence change replaces histidine with glutamine at codon 514 of the ALK protein (p.His514Gln). The histidine residue is moderately conserved and there is a small physicochemical difference between histidine and glutamine. This variant is not present in population databases (ExAC no frequency). This variant has not been reported in the literature in individuals with ALK-related conditions. Algorithms developed to predict the effect of missense changes on protein structure and function output the following: SIFT: "Tolerated"; PolyPhen-2: "Benign"; Align-GVGD: "Class C0". The glutamine amino acid residue is found in multiple mammalian species, suggesting that this missense change does not adversely affect protein function. These predictions have not been confirmed by published functional studies and their clinical significance is uncertain. In summary, the available evidence is currently insufficient to determine the role of this variant in disease. Therefore, it has been classified as a Variant of Uncertain Significance.

NM_004304.5(ALK):c.1542C>A (p.His514Gln)

Gene: ALK (ALK receptor tyrosine kinase; minus strand). Cytogenetic location: 2p23.2.
Variant type: single nucleotide variant.
Coding change: c.1542C>A on transcript NM_004304.5 (MANE Select); coding-DNA position 1542, C replaced by A.
Protein change: p.His514Gln; replaces histidine 514 with glutamine.
Molecular consequence: missense variant.
Genome position (GRCh38, 1-based): chr2:29,320,755, G>T on the plus strand (C>A on the coding strand, the complement: ALK is on the minus strand). VCF-style: chr2-29320755-G-T. GRCh37 (hg19) VCF-style: chr2-29543621-G-T.
Other names: c.1542C>A (NM_004304.4); short protein forms H514Q.
Identifiers: ClinVar variation 1513637 (VCV001513637.10), dbSNP rs2148250838, ClinGen allele CA346472186.